The following is an entry in ClinVar:

NM_001127208.3(TET2):c.4319G>A (p.Arg1440Gln)

Genes: TET2 (tet methylcytosine dioxygenase 2; plus strand), TET2-AS1 (TET2 antisense RNA 1; minus strand). Cytogenetic location: 4q24.
Variant type: single nucleotide variant.
Coding change: c.4319G>A on transcript NM_001127208.3 (MANE Select); coding-DNA position 4319, G replaced by A.
Protein change: p.Arg1440Gln; replaces arginine 1440 with glutamine.
Molecular consequence: missense variant.
Genome position (GRCh38, 1-based): chr4:105,272,700, G>A. VCF-style: chr4-105272700-G-A. GRCh37 (hg19) VCF-style: chr4-106193857-G-A.
Other names: short protein forms R1440Q.
Identifiers: ClinVar variation 2955434 (VCV002955434.3), dbSNP rs1157107314, ClinGen allele CA357811500.
Genomic context (GRCh38, chr4:105,272,700, plus strand): 5'-TATACAAAGTCTCTGACGTGGATGAGTTTGGGAGTGTGGAAGCTCAGGAGGAGAAAAAAC[G>A]GAGTGGTGCCATTCAGGTACTGAGTTCTTTTCGGCGAAAAGTCAGGATGTTAGCAGAGCC-3'
Protein context (NP_001120680.1, residues 1430-1450): GSVEAQEEKK[Arg1440Gln]SGAIQVLSSF

ClinVar aggregate classification (germline): Uncertain significance (1 of 4 stars; one submission).

Allele frequency attached by ClinVar (database versions not stated): gnomAD 0.00001; gnomAD exomes 0.00001; TOPMed 0.00001.
gnomAD v4.1: 17 of 1,551,604 alleles (0.0011%); highest among the groups gnomAD compares: Admixed American, 0.002%; no homozygotes.

Submission:

Labcorp Genetics (formerly Invitae), Labcorp
Classification: Uncertain significance. Last evaluated: 2023-10-20. Review status: criteria provided, single submitter. Criteria: Invitae Variant Classification Sherloc (09022015). Collection method: clinical testing. Allele origin: germline.
Comment: This sequence change replaces arginine, which is basic and polar, with glutamine, which is neutral and polar, at codon 1440 of the TET2 protein (p.Arg1440Gln). This variant is present in population databases (no rsID available, gnomAD 0.003%). This variant has not been reported in the literature in individuals affected with TET2-related conditions. Algorithms developed to predict the effect of missense changes on protein structure and function output the following: SIFT: "Not Available"; PolyPhen-2: "Benign"; Align-GVGD: "Not Available". The glutamine amino acid residue is found in multiple mammalian species, which suggests that this missense change does not adversely affect protein function. In summary, the available evidence is currently insufficient to determine the role of this variant in disease. Therefore, it has been classified as a Variant of Uncertain Significance.